The following is an entry in ClinVar:

NM_014423.4(AFF4):c.387T>C (p.Ser129=)

Gene: AFF4 (ALF transcription elongation factor 4; minus strand). Cytogenetic location: 5q31.1.
Variant type: single nucleotide variant.
Coding change: c.387T>C on transcript NM_014423.4 (MANE Select); coding-DNA position 387, T replaced by C.
Protein change: p.Ser129=; no amino-acid change (serine 129 retained).
Molecular consequence: synonymous variant.
Genome position (GRCh38, 1-based): chr5:132,934,678, A>G on the plus strand (T>C on the coding strand, the complement: AFF4 is on the minus strand). VCF-style: chr5-132934678-A-G. GRCh37 (hg19) VCF-style: chr5-132270370-A-G.
Other names: c.387T>C (NM_014423.3).
Identifiers: ClinVar variation 2760176 (VCV002760176.5), dbSNP rs771680506, ClinGen allele CA3409448.

ClinVar aggregate classification (germline): Likely benign. Review status: criteria provided, single submitter (1 of 4 stars). 2 submissions from 2 submitters: Likely benign (1). 1 of the submissions does not count toward it. Last evaluated 2025-01-21.

Conditions:
AFF4-related disorder. Also called: AFF4-related condition.
Cognitive impairment - coarse facies - heart defects - obesity - pulmonary involvement - short stature - skeletal dysplasia syndrome. Also called: AFF4-Related CHOPS Syndrome; COGNITIVE IMPAIRMENT, COARSE FACIES, HEART DEFECTS, OBESITY, PULMONARY INVOLVEMENT, SHORT STATURE, AND SKELETAL DYSPLASIA; Chops syndrome. Identifiers: Orphanet 444077, MedGen C4085597, MONDO:0014609, OMIM 616368.

Allele frequency attached by ClinVar (database versions not stated): TOPMed 0.00001; ExAC 0.00002.
gnomAD v4.1: 11 of 1,613,730 alleles (0.00068%); highest among the groups gnomAD compares: Admixed American, 0.018%; no homozygotes.

Submissions (2):

Labcorp Genetics (formerly Invitae), Labcorp
Classification: Likely benign for Cognitive impairment - coarse facies - heart defects - obesity - pulmonary involvement - short stature - skeletal dysplasia syndrome. Last evaluated: 2025-01-21. Review status: criteria provided, single submitter. Criteria: Invitae Variant Classification Sherloc (09022015). Collection method: clinical testing. Allele origin: germline.

PreventionGenetics, part of Exact Sciences
Classification: Likely benign for AFF4-related condition. Last evaluated: 2022-03-15. Review status: no assertion criteria provided. Collection method: clinical testing. Allele origin: germline. Not counted in ClinVar's aggregate classification.
Comment: This variant is classified as likely benign based on ACMG/AMP sequence variant interpretation guidelines (Richards et al. 2015 PMID: 25741868, with internal and published modifications).